The following is an entry in ClinVar:

NM_172364.5(CACNA2D4):c.2983G>A (p.Val995Ile)

Gene: CACNA2D4 (calcium voltage-gated channel auxiliary subunit alpha2delta 4; minus strand). Cytogenetic location: 12p13.33.
Variant type: single nucleotide variant.
Coding change: c.2983G>A on transcript NM_172364.5 (MANE Select); coding-DNA position 2983, G replaced by A.
Protein change: p.Val995Ile; replaces valine 995 with isoleucine.
Molecular consequence: missense variant.
Genome position (GRCh38, 1-based): chr12:1,799,687, C>T on the plus strand (G>A on the coding strand, the complement: CACNA2D4 is on the minus strand). VCF-style: chr12-1799687-C-T. GRCh37 (hg19) VCF-style: chr12-1908853-C-T.
Other names: short protein forms V995I.
Identifiers: ClinVar variation 3621444 (VCV003621444.2).

ClinVar aggregate classification (germline): Uncertain significance (1 of 4 stars; one submission).

Submission:

Labcorp Genetics (formerly Invitae), Labcorp
Classification: Uncertain significance. Last evaluated: 2024-08-04. Review status: criteria provided, single submitter. Criteria: Invitae Variant Classification Sherloc (09022015). Collection method: clinical testing. Allele origin: germline.
Comment: This sequence change replaces valine, which is neutral and non-polar, with isoleucine, which is neutral and non-polar, at codon 995 of the CACNA2D4 protein (p.Val995Ile). This variant is not present in population databases (gnomAD no frequency). This variant has not been reported in the literature in individuals affected with CACNA2D4-related conditions. An algorithm developed to predict the effect of missense changes on protein structure and function outputs the following: PolyPhen-2: "Benign". The isoleucine amino acid residue is found in multiple mammalian species, which suggests that this missense change does not adversely affect protein function. In summary, the available evidence is currently insufficient to determine the role of this variant in disease. Therefore, it has been classified as a Variant of Uncertain Significance.